The following is an entry in ClinVar:

ClinVar aggregate classification (germline): Uncertain significance (1 of 4 stars; one submission).

gnomAD v4.1: 17 of 1,613,240 alleles (0.0011%); highest among the groups gnomAD compares: South Asian, 0.0077%; no homozygotes.

Submission:

Labcorp Genetics (formerly Invitae), Labcorp
Classification: Uncertain significance. Last evaluated: 2024-04-12. Review status: criteria provided, single submitter. Criteria: Invitae Variant Classification Sherloc (09022015). Collection method: clinical testing. Allele origin: germline.
Comment: This sequence change replaces threonine, which is neutral and polar, with methionine, which is neutral and non-polar, at codon 209 of the KCNK4 protein (p.Thr209Met). This variant is present in population databases (rs577862635, gnomAD 0.006%). This variant has not been reported in the literature in individuals affected with KCNK4-related conditions. An algorithm developed to predict the effect of missense changes on protein structure and function (PolyPhen-2) suggests that this variant is likely to be disruptive. In summary, the available evidence is currently insufficient to determine the role of this variant in disease. Therefore, it has been classified as a Variant of Uncertain Significance.

NM_033310.3(KCNK4):c.626C>T (p.Thr209Met)

Genes: KCNK4 (potassium two pore domain channel subfamily K member 4; plus strand), KCNK4-CATSPERZ (KCNK4-CATSPERZ readthrough (NMD candidate); plus strand). Cytogenetic location: 11q13.1.
Variant type: single nucleotide variant.
Coding change: c.626C>T on transcript NM_033310.3 (MANE Select); coding-DNA position 626, C replaced by T.
Protein change: p.Thr209Met; replaces threonine 209 with methionine.
Molecular consequence: missense variant. On other transcripts: non-coding transcript variant (3).
Genome position (GRCh38, 1-based): chr11:64,297,618, C>T. VCF-style: chr11-64297618-C-T. GRCh37 (hg19) VCF-style: chr11-64065090-C-T.
Other names: c.626C>T, p.Thr209Met (NM_001317090.2); short protein forms T209M.
Identifiers: ClinVar variation 3613267 (VCV003613267.2).
Genomic context (GRCh38, chr11:64,297,618, plus strand): 5'-TCGTGTTCTGCTATATGGAGGACTGGAGCAAGCTGGAGGCCATCTACTTTGTCATAGTGA[C>T]GCTTACCACCGTGGGCTTTGGCGACTATGTGGCCGGTGAGGCCGCCCTTCTTGTGCTGCA-3'
Protein context (NP_201567.1, residues 199-219): KLEAIYFVIV[Thr209Met]LTTVGFGDYV